The following is an entry in ClinVar:

NM_031263.4(HNRNPK):c.58+25A>G

Gene: HNRNPK (heterogeneous nuclear ribonucleoprotein K; minus strand). Cytogenetic location: 9q21.32.
Variant type: single nucleotide variant.
Coding change: c.58+25A>G on transcript NM_031263.4 (MANE Select); 25 bases into the intron after coding-DNA position 58, A replaced by G.
Molecular consequence: intron variant.
Genome position (GRCh38, 1-based): chr9:83,978,170, T>C on the plus strand (A>G on the coding strand, the complement: HNRNPK is on the minus strand). VCF-style: chr9-83978170-T-C. GRCh37 (hg19) VCF-style: chr9-86593085-T-C.
Other names: NC_000009.11:g.86593085T>C; c.58+25A>G (NM_031262.4, NM_002140.5, NM_001318186.2 and 2 more transcripts).
Identifiers: ClinVar variation 3771032 (VCV003771032.14).

ClinVar aggregate classification (germline): Likely benign (1 of 4 stars; one submission).

gnomAD v4.1: 208 of 1,456,752 alleles (0.014%); highest among the groups gnomAD compares: African/African-American, 0.23%; no homozygotes.

Submissions (3):

CeGaT Center for Human Genetics Tuebingen
Classification: Likely benign. Last evaluated: 2025-01-01. Review status: criteria provided, single submitter. Criteria: CeGaT Center For Human Genetics Tuebingen Variant Classification Criteria Version 2. Collection method: clinical testing. Allele origin: germline. Affected: yes. Observed: 1 variant allele.
Comment: HNRNPK: BS1

Dr. Peter K. Rogan Lab, Western University
No classification provided (evidence only). Condition: Clear cell carcinoma of kidney. Review status: no classification provided. Collection method: in vitro. Allele origin: not applicable. Functional consequence: cryptic splice site. Not counted in ClinVar's aggregate classification.

Dr. Peter K. Rogan Lab, Western University
No classification provided (evidence only). Condition: Familial cancer of breast. Review status: no classification provided. Collection method: in vitro. Allele origin: not applicable. Functional consequence: cryptic splice site. Not counted in ClinVar's aggregate classification.